The following is an entry in ClinVar:

NM_021975.4(RELA):c.1519G>A (p.Ala507Thr)

Gene: RELA (RELA proto-oncogene, NF-kB subunit; minus strand). Cytogenetic location: 11q13.1.
Variant type: single nucleotide variant.
Coding change: c.1519G>A on transcript NM_021975.4 (MANE Select); coding-DNA position 1519, G replaced by A.
Protein change: p.Ala507Thr; replaces alanine 507 with threonine.
Molecular consequence: missense variant. On other transcripts: intron variant (1).
Genome position (GRCh38, 1-based): chr11:65,654,515, C>T on the plus strand (G>A on the coding strand, the complement: RELA is on the minus strand). VCF-style: chr11-65654515-C-T. GRCh37 (hg19) VCF-style: chr11-65421986-C-T.
Other names: c.1510G>A, p.Ala504Thr (NM_001145138.2); c.1312G>A, p.Ala438Thr (NM_001243984.2); c.1552G>A, p.Ala518Thr (NM_001404657.1); c.1492G>A, p.Ala498Thr (NM_001404658.1); c.1306G>A, p.Ala436Thr (NM_001404659.1); c.1201G>A, p.Ala401Thr (NM_001404660.1); c.1138G>A, p.Ala380Thr (NM_001404661.1); c.1426G>A, p.Ala476Thr (NM_001404662.1, NM_001404663.1); and 1 more; short protein forms A380T, A401T, A436T, A438T, A476T, A498T, A504T, A507T.
Identifiers: ClinVar variation 1722011 (VCV001722011.4), dbSNP rs2496823940, ClinGen allele CA381386604.

ClinVar aggregate classification (germline): Uncertain significance (1 of 4 stars; one submission).

Submission:

Labcorp Genetics (formerly Invitae), Labcorp
Classification: Uncertain significance. Last evaluated: 2022-07-21. Review status: criteria provided, single submitter. Criteria: Invitae Variant Classification Sherloc (09022015). Collection method: clinical testing. Allele origin: germline.
Comment: In summary, the available evidence is currently insufficient to determine the role of this variant in disease. Therefore, it has been classified as a Variant of Uncertain Significance. Algorithms developed to predict the effect of missense changes on protein structure and function are either unavailable or do not agree on the potential impact of this missense change (SIFT: "Deleterious"; PolyPhen-2: "Benign"; Align-GVGD: "Class C0"). This variant has not been reported in the literature in individuals affected with RELA-related conditions. This variant is not present in population databases (gnomAD no frequency). This sequence change replaces alanine, which is neutral and non-polar, with threonine, which is neutral and polar, at codon 507 of the RELA protein (p.Ala507Thr).